The following is an entry in ClinVar:

NM_000257.4(MYH7):c.2359C>G (p.Arg787Gly)

Genes: MYH7 (myosin heavy chain 7; minus strand), LOC126861898 (BRD4-independent group 4 enhancer GRCh37_chr14:23893609-23894808; plus strand). Cytogenetic location: 14q11.2.
Variant type: single nucleotide variant.
Coding change: c.2359C>G on transcript NM_000257.4 (MANE Select); coding-DNA position 2359, C replaced by G.
Protein change: p.Arg787Gly; replaces arginine 787 with glycine.
Molecular consequence: missense variant.
Genome position (GRCh38, 1-based): chr14:23,425,346, G>C on the plus strand (C>G on the coding strand, the complement: MYH7 is on the minus strand). VCF-style: chr14-23425346-G-C. GRCh37 (hg19) VCF-style: chr14-23894555-G-C.
Other names: c.2359C>G, p.Arg787Gly (NM_001407004.1); short protein forms R787G.
Identifiers: ClinVar variation 3678800 (VCV003678800.2).

ClinVar aggregate classification (germline): Uncertain significance (1 of 4 stars; one submission).

Conditions:
Hypertrophic cardiomyopathy. Also called: HYPERTROPHIC MYOCARDIOPATHY. Identifiers: Orphanet 217569, MedGen C0007194, MeSH D002312, MONDO:0005045, HP:0001639.

gnomAD v4.1: 2 of 1,614,140 alleles (0.00012%); highest among the groups gnomAD compares: African/African-American, 0.0013%; no homozygotes.

Submission:

Labcorp Genetics (formerly Invitae), Labcorp
Classification: Uncertain significance for Hypertrophic cardiomyopathy. Last evaluated: 2024-08-28. Review status: criteria provided, single submitter. Criteria: Invitae Variant Classification Sherloc (09022015). Collection method: clinical testing. Allele origin: germline.
Comment: This sequence change replaces arginine, which is basic and polar, with glycine, which is neutral and non-polar, at codon 787 of the MYH7 protein (p.Arg787Gly). This variant is not present in population databases (gnomAD no frequency). This variant has not been reported in the literature in individuals affected with MYH7-related conditions. Invitae Evidence Modeling of protein sequence and biophysical properties (such as structural, functional, and spatial information, amino acid conservation, physicochemical variation, residue mobility, and thermodynamic stability) has been performed for this missense variant. However, the output from this modeling did not meet the statistical confidence thresholds required to predict the impact of this variant on MYH7 protein function. In summary, the available evidence is currently insufficient to determine the role of this variant in disease. Therefore, it has been classified as a Variant of Uncertain Significance.